The following is an entry in ClinVar:

ClinVar aggregate classification (germline): Benign/Likely benign. Review status: criteria provided, multiple submitters, no conflicts (2 of 4 stars). 9 submissions from 9 submitters: Benign (6); Likely benign (1). 2 of the submissions do not count toward it. Last evaluated 2026-02-04.

Conditions:
Brittle cornea syndrome 1 (BCS1). Also called: CORNEAL FRAGILITY, KERATOGLOBUS, BLUE SCLERAE, JOINT HYPEREXTENSIBILITY; EDS6B; FRAGILITAS OCULI WITH JOINT HYPEREXTENSIBILITY; DYSGENESIS MESODERMALIS CORNEAE ET SCLERAE; Corneal fragility keratoglobus, blue sclerae AND joint hypermobility. Identifiers: Orphanet 90354, MedGen C0268344, MONDO:0024543, OMIM 229200.
Cardiovascular phenotype. Identifiers: MedGen CN230736.

Allele frequency attached by ClinVar (database versions not stated): 1000 Genomes Project 0.29513; 1000 Genomes Project 30x 0.29919; ExAC 0.30926; TOPMed 0.32546; gnomAD 0.36151.
gnomAD v4.1: 575,534 of 1,550,130 alleles (37%); highest among the groups gnomAD compares: Non-Finnish European, 39%; 109,723 homozygotes.

Submissions (9):

Labcorp Genetics (formerly Invitae), Labcorp
Classification: Benign. Last evaluated: 2026-02-04. Review status: criteria provided, single submitter. Criteria: Invitae Variant Classification Sherloc (09022015). Collection method: clinical testing. Allele origin: germline.

Women's Health and Genetics/Laboratory Corporation of America, LabCorp
Classification: Likely benign. Last evaluated: 2026-01-21. Review status: criteria provided, single submitter. Criteria: LabCorp Variant Classification Summary - May 2015. Collection method: clinical testing. Allele origin: germline.

Mayo Clinic Laboratories, Mayo Clinic
Classification: Benign. Last evaluated: 2022-04-26. Review status: criteria provided, single submitter. Criteria: ACMG Guidelines, 2015. Collection method: clinical testing. Allele origin: germline. Observed: 1,920 variant alleles.

Genome-Nilou Lab
Classification: Benign for Brittle cornea syndrome 1. Last evaluated: 2021-12-05. Review status: criteria provided, single submitter. Criteria: ACMG Guidelines, 2015. Collection method: clinical testing. Allele origin: germline. Affected: no.

Ambry Genetics
Classification: Benign for Cardiovascular phenotype. Last evaluated: 2018-12-04. Review status: criteria provided, single submitter. Criteria: Ambry Variant Classification Scheme 2023. Collection method: clinical testing. Allele origin: germline.

GeneDx
Classification: Benign. Last evaluated: 2016-10-05. Review status: criteria provided, single submitter. Criteria: GeneDx Variant Classification (06012015). Collection method: clinical testing. Allele origin: germline. Affected: yes.
Comment: This variant is considered likely benign or benign based on one or more of the following criteria: it is a conservative change, it occurs at a poorly conserved position in the protein, it is predicted to be benign by multiple in silico algorithms, and/or has population frequency not consistent with disease.

Breakthrough Genomics
Classification: Benign. Review status: criteria provided, single submitter. Criteria: ACMG Guidelines, 2015. Collection method: not provided. Allele origin: germline. Inheritance: Autosomal recessive inheritance. Affected: yes.

Genome Diagnostics Laboratory, Amsterdam University Medical Center
Classification: Benign for Brittle cornea syndrome 1. Last evaluated: 2016-01-15. Review status: no assertion criteria provided. Criteria: ACGS Guidelines, 2013. Collection method: clinical testing. Allele origin: germline. Affected: yes. Study: VKGL Data-share Consensus. Not counted in ClinVar's aggregate classification.

Diagnostic Laboratory, Department of Genetics, University Medical Center Groningen
Classification: Benign for Brittle cornea syndrome 1. Review status: no assertion criteria provided. Collection method: clinical testing. Allele origin: germline. Affected: yes. Study: VKGL Data-share Consensus. Not counted in ClinVar's aggregate classification.

NM_001367624.2(ZNF469):c.7156G>C (p.Gly2386Arg)

Gene: ZNF469 (zinc finger protein 469; plus strand). Cytogenetic location: 16q24.2.
Variant type: single nucleotide variant.
Coding change: c.7156G>C on transcript NM_001367624.2 (MANE Select); coding-DNA position 7156, G replaced by C.
Protein change: p.Gly2386Arg; replaces glycine 2386 with arginine.
Molecular consequence: missense variant.
Genome position (GRCh38, 1-based): chr16:88,434,626, G>C. VCF-style: chr16-88434626-G-C. GRCh37 (hg19) VCF-style: chr16-88501034-G-C.
Other names: NM_001127464.1:c.7072G>C; p.Gly2386Arg; short protein forms G2386R.
Identifiers: ClinVar variation 320967 (VCV000320967.20), dbSNP rs12598474, ClinGen allele CA8225218.
Genomic context (GRCh38, chr16:88,434,626, plus strand): 5'-CTGGAAGGTGAGATGGGGACCAGCAGCAAGGAGCCGGAGGACCCAGGGACCCCTGAGACC[G>C]GGCGCTCTGGTGCTACCAAGATGCCCAGGGTCACCTGCCCTTCCACAGGACTGGGCTTGG-3'
Protein context (NP_001354553.1, residues 2376-2396): EPEDPGTPET[Gly2386Arg]RSGATKMPRV